The following is an entry in ClinVar:

NM_007294.4(BRCA1):c.1763_1764delinsAA (p.Ser588Lys)

Gene: BRCA1 (BRCA1 DNA repair associated; minus strand). Cytogenetic location: 17q21.31.
Variant type: Indel.
Coding change: c.1763_1764delinsAA on transcript NM_007294.4 (MANE Select); coding-DNA positions 1763 to 1764, GC replaced by AA.
Protein change: p.Ser588Lys; replaces serine 588 with lysine.
Molecular consequence: missense variant. On other transcripts: intron variant (137).
Genome position (GRCh38, 1-based): chr17:43,093,767-43,093,768, GC replaced by TT on the plus strand (GC replaced by AA on the coding strand, the reverse complement: BRCA1 is on the minus strand). VCF-style: chr17-43093767-GC-TT. GRCh37 (hg19) VCF-style: chr17-41245784-GC-TT.
Other names: c.661+976_661+977delinsAA (NM_001408448.1, NM_001408445.1, NM_001408432.1 and 6 more transcripts); c.1550_1551delinsAA, p.Ser517Lys (NM_001407571.1, NM_001407853.1, NM_001407894.1 and 9 more transcripts); c.1763_1764delinsAA, p.Ser588Lys (NM_001407581.1, NM_001407582.1, NM_001407583.1 and 30 more transcripts); c.1760_1761delinsAA, p.Ser587Lys (NM_001407587.1, NM_001407590.1, NM_001407591.1 and 22 more transcripts); c.1754_1755delinsAA, p.Ser585Lys (NM_001407646.1, NM_001407647.1); c.1640_1641delinsAA, p.Ser547Lys (NM_001407648.1, NM_001407664.1, NM_001407665.1 and 19 more transcripts); c.1637_1638delinsAA, p.Ser546Lys (NM_001407649.1, NM_001407670.1, NM_001407671.1 and 11 more transcripts); c.1685_1686delinsAA, p.Ser562Lys (NM_001407653.1, NM_001407654.1, NM_001407655.1 and 4 more transcripts); and 41 more; short protein forms S588K, S541K, S292K, S476K, S499K, S517K, S546K, S547K.
Identifiers: ClinVar variation 479211 (VCV000479211.22), dbSNP rs1555591274, ClinGen allele CA658656753.
Genomic context (GRCh38, chr17:43,093,767, plus strand): 5'-CTTTTTAGGTGCTTTTGAATTGTGGATATTTAATTCGAGTTCCATATTGCTTATACTGCT[GC>TT]TTATAGGTTCAGCTTTCGTTTTGAAAGCAGATTCTTTTTCGAGTGATTCTATTGGGTTAG-3'
Protein context (NP_009225.1, residues 578-598): SAFKTKAEPI[Ser588Lys]SSISNMELEL

ClinVar aggregate classification (germline): Conflicting classifications of pathogenicity. Review status: criteria provided, conflicting classifications (1 of 4 stars). 4 submissions from 4 submitters: Uncertain significance (3); Likely benign (1). Last evaluated 2025-03-18.

Conditions:
Hereditary breast ovarian cancer syndrome. Also called: Hereditary breast and ovarian cancer syndrome (HBOC); Hereditary breast and ovarian cancer syndrome; Breast and ovarian cancer; BRCA1- and BRCA2-Associated Hereditary Breast and Ovarian Cancer; Hereditary breast and ovarian cancer; Hereditary breast and/or ovarian cancer syndrome. Identifiers: Orphanet 145, MedGen C0677776, MeSH D061325, MONDO:0003582. Disease mechanism: loss of function.
Hereditary cancer-predisposing syndrome. Also called: Neoplastic Syndromes, Hereditary; Hereditary Cancer Syndrome; Hereditary neoplastic syndrome; Tumor predisposition. Identifiers: Orphanet 140162, MedGen C0027672, MeSH D009386, MONDO:0015356.

Submissions (4):

Ambry Genetics
Classification: Uncertain significance for Hereditary cancer-predisposing syndrome. Last evaluated: 2025-03-18. Review status: criteria provided, single submitter. Criteria: Ambry Variant Classification Scheme 2023. Collection method: clinical testing. Allele origin: germline.
Comment: The c.1763_1764delGCinsAA variant (also known as p.S588K), located in coding exon 9 of the BRCA1 gene, results from an in-frame deletion of GC and insertion of AA at nucleotide positions 1763 to 1764. This results in the substitution of the serine residue for a lysine residue at codon 588, an amino acid with dissimilar properties. This alteration has been previously detected in a cohort of 381 unselected endometrial cancer patients who underwent multi-gene panel testing (Ring KL et al. Mod Pathol, 2016 11;29:1381-1389). This amino acid position is well conserved in available vertebrate species. Based on the available evidence, the clinical significance of this variant remains unclear.

Labcorp Genetics (formerly Invitae), Labcorp
Classification: Uncertain significance for Hereditary breast ovarian cancer syndrome. Last evaluated: 2024-11-09. Review status: criteria provided, single submitter. Criteria: Invitae Variant Classification Sherloc (09022015). Collection method: clinical testing. Allele origin: germline.
Comment: This sequence change replaces serine, which is neutral and polar, with lysine, which is basic and polar, at codon 588 of the BRCA1 protein (p.Ser588Lys). Information on the frequency of this variant in the gnomAD database is not available, as this variant may be reported differently in the database. This missense change has been observed in individual(s) with endometrial cancer (PMID: 27443514). ClinVar contains an entry for this variant (Variation ID: 479211). An algorithm developed to predict the effect of missense changes on protein structure and function (PolyPhen-2) suggests that this variant is likely to be disruptive. In summary, the available evidence is currently insufficient to determine the role of this variant in disease. Therefore, it has been classified as a Variant of Uncertain Significance.

University of Washington Department of Laboratory Medicine, University of Washington
Classification: Likely benign for Hereditary cancer-predisposing syndrome. Last evaluated: 2023-03-23. Review status: criteria provided, single submitter. Criteria: Dines et al. (Genet Med. 2020). Collection method: curation. Allele origin: germline.
Comment: Missense variant in a coldspot region where missense variants are very unlikely to be pathogenic (PMID:31911673).

BRCA1 coldspot (exon 11 using historical exon numbering). Reclassification based on statistical prior probability

Color Diagnostics, LLC DBA Color Health
Classification: Uncertain significance for Hereditary cancer-predisposing syndrome. Last evaluated: 2019-03-21. Review status: criteria provided, single submitter. Criteria: ACMG Guidelines, 2015. Collection method: clinical testing. Allele origin: germline.

Literature cited by the submitters: PubMed 27443514 (cited by Ambry Genetics and Labcorp Genetics (formerly Invitae), Labcorp).